The following is an entry in ClinVar:

NM_170707.4(LMNA):c.91_92delinsAG (p.Glu31Arg)

Genes: LMNA (lamin A/C; plus strand), LOC129931597 (ATAC-STARR-seq lymphoblastoid silent region 1421; plus strand). Cytogenetic location: 1q22.
Variant type: Indel.
Coding change: c.91_92delinsAG on transcript NM_170707.4 (MANE Select); coding-DNA positions 91 to 92, GA replaced by AG.
Protein change: p.Glu31Arg; replaces glutamic acid 31 with arginine.
Molecular consequence: missense variant.
Genome position (GRCh38, 1-based): chr1:156,115,009-156,115,010, GA replaced by AG. VCF-style: chr1-156115009-GA-AG. GRCh37 (hg19) VCF-style: chr1-156084800-GA-AG.
Other names: c.91_92delinsAG, p.Glu31Arg (NM_005572.4, NM_170708.4, NM_001282625.2 and 1 more transcripts); short protein forms E31R.
Identifiers: ClinVar variation 1516417 (VCV001516417.6), dbSNP rs2102817441, ClinGen allele CA2573131089.

ClinVar aggregate classification (germline): Uncertain significance (1 of 4 stars; one submission).

Conditions:
Charcot-Marie-Tooth disease type 2. Also called: Charcot-Marie-Tooth type 2. Identifiers: Orphanet 64746, MedGen C0270914, MONDO:0018993.

Submission:

Labcorp Genetics (formerly Invitae), Labcorp
Classification: Uncertain significance for Charcot-Marie-Tooth disease type 2. Last evaluated: 2022-08-16. Review status: criteria provided, single submitter. Criteria: Invitae Variant Classification Sherloc (09022015). Collection method: clinical testing. Allele origin: germline.
Comment: Algorithms developed to predict the effect of sequence changes on RNA splicing suggest that this variant may create or strengthen a splice site. Algorithms developed to predict the effect of missense changes on protein structure and function are either unavailable or do not agree on the potential impact of this missense change (SIFT: "Not Available"; PolyPhen-2: "Possibly Damaging"; Align-GVGD: "Not Available"). ClinVar contains an entry for this variant (Variation ID: 1516417). This missense change has been observed in individual(s) with autosomal dominant LMNA-related conditions (Invitae). Information on the frequency of this variant in the gnomAD database is not available, as this variant may be reported differently in the database. This sequence change replaces glutamic acid, which is acidic and polar, with arginine, which is basic and polar, at codon 31 of the LMNA protein (p.Glu31Arg). This variant disrupts the p.Glu31 amino acid residue in LMNA. Other variant(s) that disrupt this residue have been determined to be pathogenic (PMID: 22491857, 26098624; Invitae). This suggests that this residue is clinically significant, and that variants that disrupt this residue are likely to be disease-causing. In summary, the available evidence is currently insufficient to determine the role of this variant in disease. Therefore, it has been classified as a Variant of Uncertain Significance.

Literature cited by the submitters: PubMed 22491857; PubMed 26098624.